The following is an entry in ClinVar:

ClinVar aggregate classification (germline): Uncertain significance (1 of 4 stars; one submission).

Conditions:
Pitt-Hopkins-like syndrome 2 (PTHSL2). Identifiers: Orphanet 221150, Orphanet 600663, MedGen C3280479, MONDO:0013690, OMIM 614325.

Allele frequency attached by ClinVar (database versions not stated): TOPMed below 0.00001; gnomAD exomes 0.00001.
gnomAD v4.1: 3 of 1,612,780 alleles (0.00019%); highest among the groups gnomAD compares: Admixed American, 0.005%; no homozygotes.

Submission:

Labcorp Genetics (formerly Invitae), Labcorp
Classification: Uncertain significance for Pitt-Hopkins-like syndrome 2. Last evaluated: 2025-08-09. Review status: criteria provided, single submitter. Criteria: Invitae Variant Classification Sherloc (09022015). Collection method: clinical testing. Allele origin: germline.
Comment: This sequence change replaces serine, which is neutral and polar, with threonine, which is neutral and polar, at codon 322 of the NRXN1 protein (p.Ser322Thr). This variant is present in population databases (no rsID available, gnomAD 0.003%). This variant has not been reported in the literature in individuals affected with NRXN1-related conditions. ClinVar contains an entry for this variant (Variation ID: 2160983). An algorithm developed to predict the effect of missense changes on protein structure and function (PolyPhen-2) suggests that this variant is likely to be tolerated. In summary, the available evidence is currently insufficient to determine the role of this variant in disease. Therefore, it has been classified as a Variant of Uncertain Significance.

NM_001330078.2(NRXN1):c.865T>A (p.Ser289Thr)

Gene: NRXN1 (neurexin 1; minus strand). Cytogenetic location: 2p16.3.
Variant type: single nucleotide variant.
Coding change: c.865T>A on transcript NM_001330078.2 (MANE Select); coding-DNA position 865, T replaced by A.
Protein change: p.Ser289Thr; replaces serine 289 with threonine.
Molecular consequence: missense variant.
Genome position (GRCh38, 1-based): chr2:50,623,583, A>T on the plus strand (T>A on the coding strand, the complement: NRXN1 is on the minus strand). VCF-style: chr2-50623583-A-T. GRCh37 (hg19) VCF-style: chr2-50850721-A-T.
Other names: c.964T>A, p.Ser322Thr (NM_001135659.3); c.865T>A, p.Ser289Thr (NM_001330077.2, NM_001330082.2, NM_001330085.2 and 3 more transcripts); c.805T>A, p.Ser269Thr (NM_001330083.2, NM_001330084.2, NM_001330087.2 and 1 more transcripts); c.835T>A, p.Ser279Thr (NM_001330088.2); c.862T>A, p.Ser288Thr (NM_001330093.2); c.853T>A, p.Ser285Thr (NM_001330094.2); short protein forms S269T, S279T, S285T, S288T, S289T, S322T.
Identifiers: ClinVar variation 2160983 (VCV002160983.4), dbSNP rs1411233342, ClinGen allele CA346822666.